The following is an entry in ClinVar:

ClinVar aggregate classification (germline): Likely benign. Review status: criteria provided, single submitter (1 of 4 stars). 2 submissions from 2 submitters: Likely benign (1). 1 of the submissions does not count toward it. Last evaluated 2025-01-23.

Conditions:
DIS3L2-related disorder. Also called: DIS3L2-related condition.
Perlman syndrome (PRLMNS). Identifiers: Orphanet 2849, MedGen C0796113, MONDO:0009965, OMIM 267000.

Allele frequency attached by ClinVar (database versions not stated): gnomAD 0.00003; TOPMed 0.00003.
gnomAD v4.1: 4 of 1,613,936 alleles (0.00025%); highest among the groups gnomAD compares: African/African-American, 0.0053%; no homozygotes.

Submissions (2):

Labcorp Genetics (formerly Invitae), Labcorp
Classification: Likely benign for Perlman syndrome. Last evaluated: 2025-01-23. Review status: criteria provided, single submitter. Criteria: Invitae Variant Classification Sherloc (09022015). Collection method: clinical testing. Allele origin: germline.

PreventionGenetics, part of Exact Sciences
Classification: Likely benign for DIS3L2-related condition. Last evaluated: 2024-07-18. Review status: no assertion criteria provided. Collection method: clinical testing. Allele origin: germline. Not counted in ClinVar's aggregate classification.
Comment: This variant is classified as likely benign based on ACMG/AMP sequence variant interpretation guidelines (Richards et al. 2015 PMID: 25741868, with internal and published modifications).

NM_152383.5(DIS3L2):c.120G>A (p.Arg40=)

Gene: DIS3L2 (DIS3 like 3'-5' exoribonuclease 2; plus strand). Cytogenetic location: 2q37.1.
Variant type: single nucleotide variant.
Coding change: c.120G>A on transcript NM_152383.5 (MANE Select); coding-DNA position 120, G replaced by A.
Protein change: p.Arg40=; no amino-acid change (arginine 40 retained).
Molecular consequence: synonymous variant. On other transcripts: non-coding transcript variant (2).
Genome position (GRCh38, 1-based): chr2:232,015,581, G>A. VCF-style: chr2-232015581-G-A. GRCh37 (hg19) VCF-style: chr2-232880291-G-A.
Other names: c.120G>A, p.Arg40= (NM_001257281.2, NM_001257282.2); c.120G>A (NM_152383.4).
Identifiers: ClinVar variation 1103636 (VCV001103636.10), dbSNP rs1191453850, ClinGen allele CA431908836.